The following is an entry in ClinVar:

NM_001754.5(RUNX1):c.976G>T (p.Asp326Tyr)

Gene: RUNX1 (RUNX family transcription factor 1; minus strand). Cytogenetic location: 21q22.12.
Variant type: single nucleotide variant.
Coding change: c.976G>T on transcript NM_001754.5 (MANE Select); coding-DNA position 976, G replaced by T.
Protein change: p.Asp326Tyr; replaces aspartic acid 326 with tyrosine.
Molecular consequence: missense variant.
Genome position (GRCh38, 1-based): chr21:34,792,602, C>A on the plus strand (G>T on the coding strand, the complement: RUNX1 is on the minus strand). VCF-style: chr21-34792602-C-A. GRCh37 (hg19) VCF-style: chr21-36164899-C-A.
Other names: c.895G>T, p.Asp299Tyr (NM_001001890.3); c.976G>T (NM_001754.4); short protein forms D326Y, D299Y.
Identifiers: ClinVar variation 581331 (VCV000581331.10), dbSNP rs1217420692, ClinGen allele CA410148817.
Genomic context (GRCh38, chr21:34,792,602, plus strand): 5'-GGGGGTCGGAGATGGAGGGCAGCGCGGGGAACTGGCGCGGGTCGCTGAACGCTGTCAGGT[C>A]GGGTGCCGCTGCAGGGCGGGCAAGAGAACGGAGCGGAAGTGAGTAGGAGGTTGCGGAGGC-3'
Protein context (NP_001745.2, residues 316-336): ELSSRLSTAP[Asp326Tyr]LTAFSDPRQF

ClinVar aggregate classification (germline): Uncertain significance. Review status: reviewed by expert panel (3 of 4 stars). 2 submissions from 2 submitters: Uncertain significance (1). 1 of the submissions does not count toward it. Last evaluated 2025-01-15.

Conditions:
Hereditary thrombocytopenia and hematologic cancer predisposition syndrome. Identifiers: Orphanet 71290, MedGen CN281654, MONDO:0011071.
Hereditary thrombocytopenia and hematological cancer predisposition syndrome associated with RUNX1. Also called: Familial Platelet Disorder with Propensity to Acute Myelogenous Leukemia; Familial thrombocytopenia with propensity to acute myelogenous leukemia; PLATELET DISORDER, ASPIRIN-LIKE; RUNX1 Familial Platelet Disorder with Associated Myeloid Malignancies. Identifiers: Orphanet 71290, MedGen C1832388, MeSH C563324, MONDO:0100083, OMIM 601399.

Submissions (2):

ClinGen Myeloid Malignancy Variant Curation Expert Panel
Classification: Uncertain significance for Hereditary thrombocytopenia and hematologic cancer predisposition syndrome. Last evaluated: 2025-01-15. Review status: reviewed by expert panel. Criteria: ClinGen MyeloMalig ACMG Specifications v2. Collection method: curation. Allele origin: germline. Inheritance: Autosomal dominant inheritance.
Comment: NM_001754.4(RUNX1):c.976G>T (p.Asp326Tyr) is a missense variant which is completely absent from all population databases with at least 20x coverage for RUNX1 (PM2_Supporting). In summary, the clinical significance of this variant is uncertain. ACMG/AMP criteria applied, as specified by the Myeloid Malignancy Variant Curation Expert Panel for RUNX1: PM2_supporting.

Labcorp Genetics (formerly Invitae), Labcorp
Classification: Uncertain significance for Hereditary thrombocytopenia and hematological cancer predisposition syndrome associated with RUNX1. Last evaluated: 2018-03-22. Review status: criteria provided, single submitter. Criteria: Invitae Variant Classification Sherloc (09022015). Collection method: clinical testing. Allele origin: germline. Not counted in ClinVar's aggregate classification.
Comment: In summary, the available evidence is currently insufficient to determine the role of this variant in disease. Therefore, it has been classified as a Variant of Uncertain Significance. Algorithms developed to predict the effect of missense changes on protein structure and function do not agree on the potential impact of this missense change (SIFT: "Deleterious"; PolyPhen-2: "Possibly Damaging"; Align-GVGD: "Class C0"). This variant has not been reported in the literature in individuals with RUNX1-related disease. This variant is not present in population databases (ExAC no frequency). This sequence change replaces aspartic acid with tyrosine at codon 326 of the RUNX1 protein (p.Asp326Tyr). The aspartic acid residue is moderately conserved and there is a large physicochemical difference between aspartic acid and tyrosine.